The following is an entry in ClinVar:

ClinVar aggregate classification (germline): Uncertain significance (1 of 4 stars; one submission).

Allele frequency attached by ClinVar (database versions not stated): ExAC 0.00002; TOPMed 0.00004; 1000 Genomes Project 30x 0.00016; gnomAD 0.00005; 1000 Genomes Project 0.00020.
gnomAD v4.1: 24 of 1,612,714 alleles (0.0015%); highest among the groups gnomAD compares: Admixed American, 0.012%; no homozygotes.

Submission:

Labcorp Genetics (formerly Invitae), Labcorp
Classification: Uncertain significance. Last evaluated: 2025-06-29. Review status: criteria provided, single submitter. Criteria: Invitae Variant Classification Sherloc (09022015). Collection method: clinical testing. Allele origin: germline.
Comment: This sequence change replaces threonine, which is neutral and polar, with methionine, which is neutral and non-polar, at codon 572 of the RFWD3 protein (p.Thr572Met). This variant is present in population databases (rs558687934, gnomAD 0.02%). This variant has not been reported in the literature in individuals affected with RFWD3-related conditions. ClinVar contains an entry for this variant (Variation ID: 2871542). An algorithm developed to predict the effect of missense changes on protein structure and function (PolyPhen-2) suggests that this variant is likely to be disruptive. In summary, the available evidence is currently insufficient to determine the role of this variant in disease. Therefore, it has been classified as a Variant of Uncertain Significance.

NM_018124.4(RFWD3):c.1715C>T (p.Thr572Met)

Gene: RFWD3 (ring finger and WD repeat domain 3; minus strand). Cytogenetic location: 16q23.1.
Variant type: single nucleotide variant.
Coding change: c.1715C>T on transcript NM_018124.4 (MANE Select); coding-DNA position 1715, C replaced by T.
Protein change: p.Thr572Met; replaces threonine 572 with methionine.
Molecular consequence: missense variant. On other transcripts: intron variant (1).
Genome position (GRCh38, 1-based): chr16:74,630,820, G>A on the plus strand (C>T on the coding strand, the complement: RFWD3 is on the minus strand). VCF-style: chr16-74630820-G-A. GRCh37 (hg19) VCF-style: chr16-74664718-G-A.
Other names: c.1715C>T, p.Thr572Met (NM_001370534.1, NM_001370535.1); c.881C>T, p.Thr294Met (NM_001370543.1, NM_001370537.1, NM_001370539.1 and 3 more transcripts); c.1577+1703C>T (NM_001370536.1); short protein forms T294M, T572M.
Identifiers: ClinVar variation 2871542 (VCV002871542.3), dbSNP rs558687934, ClinGen allele CA8169096.